The following is an entry in ClinVar:

ClinVar aggregate classification (germline): Conflicting classifications of pathogenicity. Review status: criteria provided, conflicting classifications (1 of 4 stars). 6 submissions from 6 submitters: Uncertain significance (4); Likely benign (2). Last evaluated 2025-12-19.

Conditions:
Renal carnitine transport defect (CDSP). Also called: Systemic primary carnitine deficiency; Systemic primary carnitine deficiency disease; Carnitine transporter deficiency; Carnitine Deficiency, Systemic; Primary carnitine deficiency; CARNITINE DEFICIENCY, SYSTEMIC, DUE TO DEFECT IN RENAL REABSORPTION OF CARNITINE. Identifiers: Orphanet 158, MedGen C0342788, MONDO:0008919, OMIM 212140.

Allele frequency attached by ClinVar (database versions not stated): gnomAD 0.00003; gnomAD exomes 0.00003 and 0.00020; TOPMed 0.00010; ExAC 0.00023; 1000 Genomes Project 30x 0.00031; 1000 Genomes Project 0.00040.

Submissions (6):

Labcorp Genetics (formerly Invitae), Labcorp
Classification: Likely benign for Renal carnitine transport defect. Last evaluated: 2025-12-19. Review status: criteria provided, single submitter. Criteria: Invitae Variant Classification Sherloc (09022015). Collection method: clinical testing. Allele origin: germline.

Blueprint Genetics
Classification: Uncertain significance. Last evaluated: 2024-10-11. Review status: criteria provided, single submitter. Criteria: ACMG Guidelines, 2015. Collection method: clinical testing. Allele origin: germline.

Mayo Clinic Laboratories, Mayo Clinic
Classification: Uncertain significance. Last evaluated: 2023-10-26. Review status: criteria provided, single submitter. Criteria: ACMG Guidelines, 2015. Collection method: clinical testing. Allele origin: germline. Observed: 4 variant alleles.
Comment: BP4

Giacomini Lab, University of California, San Francisco
Classification: Likely benign for Renal carnitine transport defect. Last evaluated: 2022-10-03. Review status: criteria provided, single submitter. Criteria: ACMG Guidelines, 2015. Collection method: research, in vitro. Allele origin: germline, not applicable.

Eurofins Ntd Llc (ga)
Classification: Uncertain significance. Last evaluated: 2016-06-10. Review status: criteria provided, single submitter. Criteria: EGL Classification Definitions 2015. Collection method: clinical testing. Allele origin: germline. Observed: 1 variant allele, 1 heterozygote.

Juno Genomics, Hangzhou Juno Genomics, Inc
Classification: Uncertain significance for Renal carnitine transport defect. Review status: criteria provided, single submitter. Criteria: ACMG Guidelines, 2015. Collection method: clinical testing. Allele origin: germline. Affected: yes.
Comment: Absent from controls (or at extremely low frequency if recessive) in Genome Aggregation Database, Exome Sequencing Project, 1000 Genomes Project, or Exome Aggregation Consortium.;Multiple lines of computational evidence suggest no impact on gene or gene product (conservation, evolutionary, splicing impact, etc).;For recessive disorders, detected in trans with a pathogenic variant.

Literature cited by the submitters: PubMed 34704412 (cited by Mayo Clinic Laboratories, Mayo Clinic); PubMed 36343260 (cited by Mayo Clinic Laboratories, Mayo Clinic).

NM_003060.4(SLC22A5):c.572A>G (p.Lys191Arg)

Gene: SLC22A5 (solute carrier family 22 member 5; plus strand). Cytogenetic location: 5q31.1.
Variant type: single nucleotide variant.
Coding change: c.572A>G on transcript NM_003060.4 (MANE Select); coding-DNA position 572, A replaced by G.
Protein change: p.Lys191Arg; replaces lysine 191 with arginine.
Molecular consequence: missense variant.
Genome position (GRCh38, 1-based): chr5:132,384,221, A>G. VCF-style: chr5-132384221-A-G. GRCh37 (hg19) VCF-style: chr5-131719913-A-G.
Other names: p.Lys191Arg; c.644A>G, p.Lys215Arg (NM_001308122.2); short protein forms K191R, K215R.
Identifiers: ClinVar variation 288732 (VCV000288732.21), dbSNP rs200290813, ClinGen allele CA3403926.